The following is an entry in ClinVar:

NM_024757.5(EHMT1):c.755C>G (p.Pro252Arg)

Gene: EHMT1 (euchromatic histone lysine methyltransferase 1; plus strand). Cytogenetic location: 9q34.3.
Variant type: single nucleotide variant.
Coding change: c.755C>G on transcript NM_024757.5 (MANE Select); coding-DNA position 755, C replaced by G.
Protein change: p.Pro252Arg; replaces proline 252 with arginine.
Molecular consequence: missense variant.
Genome position (GRCh38, 1-based): chr9:137,728,461, C>G. VCF-style: chr9-137728461-C-G. GRCh37 (hg19) VCF-style: chr9-140622913-C-G.
Other names: c.755C>G, p.Pro252Arg (NM_001145527.2, NM_001354263.2, NM_001354611.2); c.662C>G, p.Pro221Arg (NM_001354259.2, NM_001354612.2); short protein forms P252R, P221R.
Identifiers: ClinVar variation 573446 (VCV000573446.11), dbSNP rs775614771, ClinGen allele CA375772176.
Genomic context (GRCh38, chr9:137,728,461, plus strand): 5'-AACCAAAAGAGGAGATCAACAAAAACATTTCTGACTTTGGACGACAGCAGCTTTTACCCC[C>G]CTTCCCATCCCTTCATCAGTCGCTACCTCAGAACCAGTGCTACATGGCCACCACAAAATC-3'
Protein context (NP_079033.4, residues 242-262): SDFGRQQLLP[Pro252Arg]FPSLHQSLPQ

ClinVar aggregate classification (germline): Conflicting classifications of pathogenicity. Review status: criteria provided, conflicting classifications (1 of 4 stars). 3 submissions from 3 submitters: Uncertain significance (2); Likely benign (1). Last evaluated 2023-12-13.

Conditions:
Kleefstra syndrome 1 (KLEFS1). Identifiers: Orphanet 261494, MedGen C0795833, MONDO:0027407, OMIM 610253.
Inborn genetic diseases. Identifiers: MedGen C0950123, MeSH D030342.

Submissions (3):

Ambry Genetics
Classification: Uncertain significance for Inborn genetic diseases. Last evaluated: 2023-12-13. Review status: criteria provided, single submitter. Criteria: Ambry Variant Classification Scheme 2023. Collection method: clinical testing. Allele origin: germline.

Labcorp Genetics (formerly Invitae), Labcorp
Classification: Likely benign for Kleefstra syndrome 1. Last evaluated: 2023-08-23. Review status: criteria provided, single submitter. Criteria: Invitae Variant Classification Sherloc (09022015). Collection method: clinical testing. Allele origin: germline.

GeneDx
Classification: Uncertain significance. Last evaluated: 2023-02-15. Review status: criteria provided, single submitter. Criteria: GeneDx Variant Classification Process June 2021. Collection method: clinical testing. Allele origin: germline. Affected: yes.
Comment: Not observed at significant frequency in large population cohorts (gnomAD); In silico analysis supports that this missense variant does not alter protein structure/function; Has not been previously published as pathogenic or benign to our knowledge